The following is an entry in ClinVar:

ClinVar aggregate classification (germline): Conflicting classifications of pathogenicity. Review status: criteria provided, conflicting classifications (1 of 4 stars). 5 submissions from 5 submitters: Likely pathogenic (1); Uncertain significance (4). Last evaluated 2025-09-01.

Conditions:
Neurodevelopmental disorder with involuntary movements (NEDIM). Identifiers: Orphanet 592564, MedGen C4479569, MONDO:0060491, OMIM 617493.
Developmental and epileptic encephalopathy, 17 (DEE17). Also called: Early infantile epileptic encephalopathy 17. Identifiers: Orphanet 1934, MedGen C3809606, MONDO:0014199, OMIM 615473.
Inborn genetic diseases. Identifiers: MedGen C0950123, MeSH D030342.

Submissions (5):

Ambry Genetics
Classification: Uncertain significance for Inborn genetic diseases. Last evaluated: 2025-09-01. Review status: criteria provided, single submitter. Criteria: Ambry Variant Classification Scheme 2023. Collection method: clinical testing. Allele origin: germline.

Department of Pathology and Laboratory Medicine, Sinai Health System
Classification: Uncertain significance for Developmental and epileptic encephalopathy, 17; Neurodevelopmental disorder with involuntary movements. Last evaluated: 2023-08-25. Review status: criteria provided, single submitter. Criteria: ACMG Guidelines, 2015. Collection method: research. Allele origin: germline.

Mendelics
Classification: Uncertain significance. Last evaluated: 2022-05-04. Review status: criteria provided, single submitter. Criteria: Mendelics Assertion Criteria 2019. Collection method: clinical testing. Allele origin: germline.

Genomic Research Center, Shahid Beheshti University of Medical Sciences
Classification: Likely pathogenic. Last evaluated: 2020-05-03. Review status: criteria provided, single submitter. Criteria: ACMG Guidelines, 2015. Collection method: clinical testing. Allele origin: unknown. Affected: yes.

Neuberg Centre For Genomic Medicine, NCGM
Classification: Uncertain significance for Neurodevelopmental disorder with involuntary movements. Review status: criteria provided, single submitter. Criteria: ACMG Guidelines, 2015. Collection method: clinical testing. Allele origin: germline. Inheritance: Autosomal dominant inheritance. Affected: yes.
Comment: The GNAO1 c.448A>C(p.Asn150His) has been submitted to ClinVar as a Likely Pathogenic, but no details are available for independent assessment. The p.Asn150His variant is novel (not in any individuals) in gnomAD Exomes and 1000 Genomes. The amino acid change p.Asn150His in GNAO1 is predicted as conserved by GERP++ and PhyloP across 100 vertebrates. The amino acid Asn at position 150 is changed to a His changing protein sequence and it might alter its composition and physico-chemical properties. For these reasons, this variant has been classified as Uncertain Significance (VUS).

NM_020988.3(GNAO1):c.448A>C (p.Asn150His)

Gene: GNAO1 (G protein subunit alpha o1; plus strand). Cytogenetic location: 16q13.
Variant type: single nucleotide variant.
Coding change: c.448A>C on transcript NM_020988.3 (MANE Select); coding-DNA position 448, A replaced by C.
Protein change: p.Asn150His; replaces asparagine 150 with histidine.
Molecular consequence: missense variant.
Genome position (GRCh38, 1-based): chr16:56,328,775, A>C. VCF-style: chr16-56328775-A-C. GRCh37 (hg19) VCF-style: chr16-56362687-A-C.
Other names: c.448A>C (NM_020988.2); c.448A>C, p.Asn150His (NM_138736.3); short protein forms N150H.
Identifiers: ClinVar variation 915356 (VCV000915356.9), dbSNP rs2037660713, ClinGen allele CA395950539.